The following is an entry in ClinVar:

ClinVar aggregate classification (germline): Uncertain significance (1 of 4 stars; one submission).

Conditions:
Hereditary cancer-predisposing syndrome. Also called: Neoplastic Syndromes, Hereditary; Tumor predisposition; Hereditary Cancer Syndrome; Hereditary neoplastic syndrome. Identifiers: Orphanet 140162, MedGen C0027672, MeSH D009386, MONDO:0015356.

Submission:

Labcorp Genetics (formerly Invitae), Labcorp
Classification: Uncertain significance for Hereditary cancer-predisposing syndrome. Last evaluated: 2022-03-27. Review status: criteria provided, single submitter. Criteria: Invitae Variant Classification Sherloc (09022015). Collection method: clinical testing. Allele origin: germline.
Comment: This variant is not present in population databases (gnomAD no frequency). In summary, the available evidence is currently insufficient to determine the role of this variant in disease. Therefore, it has been classified as a Variant of Uncertain Significance. Algorithms developed to predict the effect of missense changes on protein structure and function (SIFT, PolyPhen-2, Align-GVGD) all suggest that this variant is likely to be tolerated. This variant has not been reported in the literature in individuals affected with RAD50-related conditions. This sequence change replaces glutamine, which is neutral and polar, with proline, which is neutral and non-polar, at codon 924 of the RAD50 protein (p.Gln924Pro).

NM_005732.4(RAD50):c.2771A>C (p.Gln924Pro)

Gene: RAD50 (RAD50 double strand break repair protein; plus strand). Cytogenetic location: 5q31.1.
Variant type: single nucleotide variant.
Coding change: c.2771A>C on transcript NM_005732.4 (MANE Select); coding-DNA position 2771, A replaced by C.
Protein change: p.Gln924Pro; replaces glutamine 924 with proline.
Molecular consequence: missense variant.
Genome position (GRCh38, 1-based): chr5:132,608,667, A>C. VCF-style: chr5-132608667-A-C. GRCh37 (hg19) VCF-style: chr5-131944359-A-C.
Other names: short protein forms Q924P.
Identifiers: ClinVar variation 2118382 (VCV002118382.4), dbSNP rs1060501963, ClinGen allele CA360958890.
Genomic context (GRCh38, chr5:132,608,667, plus strand): 5'-ATTTTTAGGATGCTAAAGAGCAGGTAAGCCCTTTGGAAACAACATTGGAAAAGTTCCAGC[A>C]AGAAAAAGAAGAATTAATCAACAAAAAAAATACAAGCAACAAAATAGCACAGGATAAAGT-3'
Protein context (NP_005723.2, residues 914-934): PLETTLEKFQ[Gln924Pro]EKEELINKKN